The following is an entry in ClinVar:

NM_016156.6(MTMR2):c.1345G>A (p.Val449Met)

Gene: MTMR2 (myotubularin related protein 2; minus strand). Cytogenetic location: 11q21.
Variant type: single nucleotide variant.
Coding change: c.1345G>A on transcript NM_016156.6 (MANE Select); coding-DNA position 1345, G replaced by A.
Protein change: p.Val449Met; replaces valine 449 with methionine.
Molecular consequence: missense variant.
Genome position (GRCh38, 1-based): chr11:95,844,994, C>T on the plus strand (G>A on the coding strand, the complement: MTMR2 is on the minus strand). VCF-style: chr11-95844994-C-T. GRCh37 (hg19) VCF-style: chr11-95578158-C-T.
Other names: c.1129G>A, p.Val377Met (NM_001243571.2, NM_201278.3, NM_201281.3); short protein forms V377M, V449M.
Identifiers: ClinVar variation 665129 (VCV000665129.8), dbSNP rs776520645, ClinGen allele CA6240025.

ClinVar aggregate classification (germline): Uncertain significance. Review status: criteria provided, multiple submitters, no conflicts (2 of 4 stars). 2 submissions from 2 submitters: Uncertain significance (2). Last evaluated 2023-05-15.

Conditions:
Charcot-Marie-Tooth disease type 4. Also called: Charcot-Marie-Tooth disease, type IV; Charcot-Marie-Tooth, Type 4. Identifiers: Orphanet 64749, MedGen C4082197, MONDO:0018995.
Inborn genetic diseases. Identifiers: MedGen C0950123, MeSH D030342.

Allele frequency attached by ClinVar (database versions not stated): gnomAD 0.00002; TOPMed 0.00001.
gnomAD v4.1: 24 of 1,613,820 alleles (0.0015%); highest among the groups gnomAD compares: Non-Finnish European, 0.002%; no homozygotes.

Submissions (2):

Labcorp Genetics (formerly Invitae), Labcorp
Classification: Uncertain significance for Charcot-Marie-Tooth disease type 4. Last evaluated: 2023-05-15. Review status: criteria provided, single submitter. Criteria: Invitae Variant Classification Sherloc (09022015). Collection method: clinical testing. Allele origin: germline.
Comment: This sequence change replaces valine, which is neutral and non-polar, with methionine, which is neutral and non-polar, at codon 449 of the MTMR2 protein (p.Val449Met). This variant is not present in population databases (gnomAD no frequency). In summary, the available evidence is currently insufficient to determine the role of this variant in disease. Therefore, it has been classified as a Variant of Uncertain Significance. Advanced modeling of protein sequence and biophysical properties (such as structural, functional, and spatial information, amino acid conservation, physicochemical variation, residue mobility, and thermodynamic stability) performed at Invitae indicates that this missense variant is expected to disrupt MTMR2 protein function. ClinVar contains an entry for this variant (Variation ID: 665129). This variant has not been reported in the literature in individuals affected with MTMR2-related conditions.

Ambry Genetics
Classification: Uncertain significance for Inborn genetic diseases. Last evaluated: 2022-08-02. Review status: criteria provided, single submitter. Criteria: Ambry Variant Classification Scheme 2023. Collection method: clinical testing. Allele origin: germline.
Comment: The p.V449M variant (also known as c.1345G>A), located in coding exon 11 of the MTMR2 gene, results from a G to A substitution at nucleotide position 1345. The valine at codon 449 is replaced by methionine, an amino acid with highly similar properties. This amino acid position is conserved. In addition, the in silico prediction for this alteration is inconclusive. Since supporting evidence is limited at this time, the clinical significance of this alteration remains unclear.